The following is an entry in ClinVar:

NM_024334.3(TMEM43):c.1061G>T (p.Cys354Phe)

Gene: TMEM43 (transmembrane protein 43; plus strand). Cytogenetic location: 3p25.1.
Variant type: single nucleotide variant.
Coding change: c.1061G>T on transcript NM_024334.3 (MANE Select); coding-DNA position 1061, G replaced by T.
Protein change: p.Cys354Phe; replaces cysteine 354 with phenylalanine.
Molecular consequence: missense variant.
Genome position (GRCh38, 1-based): chr3:14,141,653, G>T. VCF-style: chr3-14141653-G-T. GRCh37 (hg19) VCF-style: chr3-14183153-G-T.
Other names: short protein forms C354F.
Identifiers: ClinVar variation 663309 (VCV000663309.18), dbSNP rs187262922, ClinGen allele CA051109.
Genomic context (GRCh38, chr3:14,141,653, plus strand): 5'-TGGACTGGTTTCCTGTTTTCCGAGACCTGGTCAACATTGGCCTGAAAGCCTTTGCCTTCT[G>T]TGTGGCCACCTCGCTGACCCTGCTGACCGTGGCGGCTGGCTGGCTCTTCTACCGACCCCT-3'
Protein context (NP_077310.1, residues 344-364): VNIGLKAFAF[Cys354Phe]VATSLTLLTV

ClinVar aggregate classification (germline): Uncertain significance. Review status: criteria provided, multiple submitters, no conflicts (2 of 4 stars). 5 submissions from 5 submitters: Uncertain significance (5). Last evaluated 2025-06-29.

Conditions:
Cardiomyopathy (CMYO). Also called: Cardiomyopathies. Identifiers: Orphanet 167848, MedGen C0878544, MONDO:0004994, HP:0001638. Inheritance: Various modes of inheritance.
Cardiovascular phenotype. Identifiers: MedGen CN230736.
Arrhythmogenic right ventricular dysplasia 5. Also called: Arrhythmogenic Right Ventricular Dysplasia/Cardiomyopathy 5; ARRHYTHMOGENIC RIGHT VENTRICULAR DYSPLASIA, FAMILIAL, 5. Identifiers: MedGen C1858379, MONDO:0011459, OMIM 604400.

Allele frequency attached by ClinVar (database versions not stated): TOPMed 0.00002.
gnomAD v4.1: 32 of 1,614,054 alleles (0.002%); highest among the groups gnomAD compares: African/African-American, 0.004%; no homozygotes.

Submissions (5):

Labcorp Genetics (formerly Invitae), Labcorp
Classification: Uncertain significance for Arrhythmogenic right ventricular dysplasia 5. Last evaluated: 2025-06-29. Review status: criteria provided, single submitter. Criteria: Invitae Variant Classification Sherloc (09022015). Collection method: clinical testing. Allele origin: germline.
Comment: This sequence change replaces cysteine, which is neutral and slightly polar, with phenylalanine, which is neutral and non-polar, at codon 354 of the TMEM43 protein (p.Cys354Phe). This variant is present in population databases (rs187262922, gnomAD 0.004%). This variant has not been reported in the literature in individuals affected with TMEM43-related conditions. ClinVar contains an entry for this variant (Variation ID: 663309). Invitae Evidence Modeling of protein sequence and biophysical properties (such as structural, functional, and spatial information, amino acid conservation, physicochemical variation, residue mobility, and thermodynamic stability) indicates that this missense variant is not expected to disrupt TMEM43 protein function with a negative predictive value of 80%. In summary, the available evidence is currently insufficient to determine the role of this variant in disease. Therefore, it has been classified as a Variant of Uncertain Significance.

Ambry Genetics
Classification: Uncertain significance for Cardiovascular phenotype. Last evaluated: 2024-09-08. Review status: criteria provided, single submitter. Criteria: Ambry Variant Classification Scheme 2023. Collection method: clinical testing. Allele origin: germline.

All of Us Research Program, National Institutes of Health
Classification: Uncertain significance for Arrhythmogenic right ventricular dysplasia 5. Last evaluated: 2024-07-20. Review status: criteria provided, single submitter. Criteria: ACMG Guidelines, 2015. Collection method: clinical testing. Allele origin: germline. Inheritance: Autosomal dominant inheritance. Observed: 7 variant alleles, 7 heterozygotes.
Comment: This missense variant replaces cysteine with phenylalanine at codon 354 of the TMEM43 protein. Computational prediction suggests that this variant may not impact protein structure and function (internally defined REVEL score threshold <= 0.5, PMID: 27666373). Splice site prediction tools suggest that this variant may not impact RNA splicing. To our knowledge, functional studies have not been reported for this variant. This variant has not been reported in individuals affected with cardiovascular disorders in the literature. This variant has been identified in 3/282732 chromosomes in the general population by the Genome Aggregation Database (gnomAD). The available evidence is insufficient to determine the role of this variant in disease conclusively. Therefore, this variant is classified as a Variant of Uncertain Significance.

This study involves interpretation of variants in research participants for the purpose of population health screening. Participant phenotype was not available at the time of variant classification. Additional details can be found in publication PMID: 35346344, PMCID: PMC8962531

Blueprint Genetics
Classification: Uncertain significance. Last evaluated: 2024-07-08. Review status: criteria provided, single submitter. Criteria: ACMG Guidelines, 2015. Collection method: clinical testing. Allele origin: germline.

Color Diagnostics, LLC DBA Color Health
Classification: Uncertain significance for Cardiomyopathy. Last evaluated: 2024-03-06. Review status: criteria provided, single submitter. Criteria: ACMG Guidelines, 2015. Collection method: clinical testing. Allele origin: germline.
Comment: This missense variant replaces cysteine with phenylalanine at codon 354 of the TMEM43 protein. Computational prediction suggests that this variant may not impact protein structure and function (internally defined REVEL score threshold <= 0.5, PMID: 27666373). To our knowledge, functional studies have not been reported for this variant. This variant has not been reported in individuals affected with TMEM43-related disorders in the literature. This variant has been identified in 3/282732 chromosomes in the general population by the Genome Aggregation Database (gnomAD). The available evidence is insufficient to determine the role of this variant in disease conclusively. Therefore, this variant is classified as a Variant of Uncertain Significance.